The following is an entry in ClinVar:

NM_001023570.4(IQCB1):c.1687C>G (p.Pro563Ala)

Gene: IQCB1 (IQ motif containing B1; minus strand). Cytogenetic location: 3q13.33.
Variant type: single nucleotide variant.
Coding change: c.1687C>G on transcript NM_001023570.4 (MANE Select); coding-DNA position 1687, C replaced by G.
Protein change: p.Pro563Ala; replaces proline 563 with alanine.
Molecular consequence: missense variant. On other transcripts: non-coding transcript variant (1).
Genome position (GRCh38, 1-based): chr3:121,770,455, G>C on the plus strand (C>G on the coding strand, the complement: IQCB1 is on the minus strand). VCF-style: chr3-121770455-G-C. GRCh37 (hg19) VCF-style: chr3-121489302-G-C.
Other names: c.1288C>G, p.Pro430Ala (NM_001023571.4); c.1687C>G, p.Pro563Ala (NM_001319107.2); short protein forms P430A, P563A.
Identifiers: ClinVar variation 1714577 (VCV001714577.5), dbSNP rs2547577276, ClinGen allele CA354108712.
Genomic context (GRCh38, chr3:121,770,455, plus strand): 5'-GCTCATCCTTTGGAACATCAATCTCATCTCCAGATTCTTCTCCAAGCTTCTTCCACCAGG[G>C]TGCTTGTATGTGCTTCAGGGTTGTGAGATGGGCCTGCTTGGCCTTGGCTGCCACAGGCCT-3'
Protein context (NP_001018864.2, residues 553-573): HLTTLKHIQA[Pro563Ala]WWKKLGEESG

ClinVar aggregate classification (germline): Uncertain significance (1 of 4 stars; one submission).

Conditions:
Nephronophthisis. Also called: Juvenile Nephronophthisis. Identifiers: Orphanet 655, MedGen C0687120, MONDO:0019005, HP:0000090.

Submission:

Labcorp Genetics (formerly Invitae), Labcorp
Classification: Uncertain significance for Nephronophthisis. Last evaluated: 2024-01-22. Review status: criteria provided, single submitter. Criteria: Invitae Variant Classification Sherloc (09022015). Collection method: clinical testing. Allele origin: germline.
Comment: This sequence change replaces proline, which is neutral and non-polar, with alanine, which is neutral and non-polar, at codon 563 of the IQCB1 protein (p.Pro563Ala). This variant is not present in population databases (gnomAD no frequency). This variant has not been reported in the literature in individuals affected with IQCB1-related conditions. ClinVar contains an entry for this variant (Variation ID: 1714577). Advanced modeling of protein sequence and biophysical properties (such as structural, functional, and spatial information, amino acid conservation, physicochemical variation, residue mobility, and thermodynamic stability) performed at Invitae indicates that this missense variant is not expected to disrupt IQCB1 protein function with a negative predictive value of 80%. In summary, the available evidence is currently insufficient to determine the role of this variant in disease. Therefore, it has been classified as a Variant of Uncertain Significance.